The following is an entry in ClinVar:

ClinVar aggregate classification (germline): Uncertain significance (1 of 4 stars; one submission).

Allele frequency attached by ClinVar (database versions not stated): ExAC 0.00001; gnomAD 0.00001; 1000 Genomes Project 30x 0.00016; 1000 Genomes Project 0.00020.
gnomAD v4.1: 1 of 1,614,236 alleles (0.000062%); highest among the groups gnomAD compares: Admixed American, 0.0017%; no homozygotes.

Submission:

Labcorp Genetics (formerly Invitae), Labcorp
Classification: Uncertain significance. Last evaluated: 2025-12-08. Review status: criteria provided, single submitter. Criteria: Invitae Variant Classification Sherloc (09022015). Collection method: clinical testing. Allele origin: germline.
Comment: This sequence change replaces tyrosine, which is neutral and polar, with serine, which is neutral and polar, at codon 301 of the TNFRSF11A protein (p.Tyr301Ser). This variant is present in population databases (rs577066104, gnomAD 0.003%). This variant has not been reported in the literature in individuals affected with TNFRSF11A-related conditions. ClinVar contains an entry for this variant (Variation ID: 1716435). An algorithm developed to predict the effect of missense changes on protein structure and function outputs the following: PolyPhen-2: "Benign". The serine amino acid residue is found in multiple mammalian species, which suggests that this missense change does not adversely affect protein function. In summary, the available evidence is currently insufficient to determine the role of this variant in disease. Therefore, it has been classified as a Variant of Uncertain Significance.

NM_003839.4(TNFRSF11A):c.902A>C (p.Tyr301Ser)

Gene: TNFRSF11A (TNF receptor superfamily member 11a; plus strand). Cytogenetic location: 18q21.33.
Variant type: single nucleotide variant.
Coding change: c.902A>C on transcript NM_003839.4 (MANE Select); coding-DNA position 902, A replaced by C.
Protein change: p.Tyr301Ser; replaces tyrosine 301 with serine.
Molecular consequence: missense variant. On other transcripts: intron variant (3).
Genome position (GRCh38, 1-based): chr18:62,368,819, A>C. VCF-style: chr18-62368819-A-C. GRCh37 (hg19) VCF-style: chr18-60036052-A-C.
Other names: c.860A>C, p.Tyr287Ser (NM_001278268.2); c.783+2059A>C (NM_001270949.2); c.730+7026A>C (NM_001270950.2); c.616+8770A>C (NM_001270951.2); short protein forms Y287S, Y301S.
Identifiers: ClinVar variation 1716435 (VCV001716435.5), dbSNP rs577066104, ClinGen allele CA8983886.